The following is an entry in ClinVar:

ClinVar aggregate classification (germline): Uncertain significance. Review status: criteria provided, multiple submitters, no conflicts (2 of 4 stars). 2 submissions from 2 submitters: Uncertain significance (2). Last evaluated 2025-02-24.

Conditions:
Epileptic encephalopathy. Identifiers: MedGen C0543888, HP:0200134.

Allele frequency attached by ClinVar (database versions not stated): ExAC 0.00004; gnomAD 0.00005; gnomAD exomes 0.00005; TOPMed 0.00006; ESP Exome Variant Server 0.00015.
gnomAD v4.1: 305 of 1,612,628 alleles (0.019%); highest among the groups gnomAD compares: Non-Finnish European, 0.025%; no homozygotes.

Submissions (2):

Labcorp Genetics (formerly Invitae), Labcorp
Classification: Uncertain significance for Epileptic encephalopathy. Last evaluated: 2025-02-24. Review status: criteria provided, single submitter. Criteria: Invitae Variant Classification Sherloc (09022015). Collection method: clinical testing. Allele origin: germline.
Comment: This sequence change replaces glycine, which is neutral and non-polar, with valine, which is neutral and non-polar, at codon 113 of the FASN protein (p.Gly113Val). This variant is present in population databases (rs368154345, gnomAD 0.01%). This variant has not been reported in the literature in individuals affected with FASN-related conditions. ClinVar contains an entry for this variant (Variation ID: 850456). An algorithm developed to predict the effect of missense changes on protein structure and function (PolyPhen-2) suggests that this variant is likely to be disruptive. In summary, the available evidence is currently insufficient to determine the role of this variant in disease. Therefore, it has been classified as a Variant of Uncertain Significance.

Ambry Genetics
Classification: Uncertain significance. Last evaluated: 2021-08-02. Review status: criteria provided, single submitter. Criteria: Ambry Variant Classification Scheme 2023. Collection method: clinical testing. Allele origin: germline.

NM_004104.5(FASN):c.338G>T (p.Gly113Val)

Gene: FASN (fatty acid synthase; minus strand). Cytogenetic location: 17q25.3.
Variant type: single nucleotide variant.
Coding change: c.338G>T on transcript NM_004104.5 (MANE Select); coding-DNA position 338, G replaced by T.
Protein change: p.Gly113Val; replaces glycine 113 with valine.
Molecular consequence: missense variant.
Genome position (GRCh38, 1-based): chr17:82,093,714, C>A on the plus strand (G>T on the coding strand, the complement: FASN is on the minus strand). VCF-style: chr17-82093714-C-A. GRCh37 (hg19) VCF-style: chr17-80051590-C-A.
Other names: short protein forms G113V.
Identifiers: ClinVar variation 850456 (VCV000850456.10), dbSNP rs368154345, ClinGen allele CA8853556.